The following is an entry in ClinVar:

NM_153704.6(TMEM67):c.1093A>G (p.Asn365Asp)

Gene: TMEM67 (transmembrane protein 67; plus strand). Cytogenetic location: 8q22.1.
Variant type: single nucleotide variant.
Coding change: c.1093A>G on transcript NM_153704.6 (MANE Select); coding-DNA position 1093, A replaced by G.
Protein change: p.Asn365Asp; replaces asparagine 365 with aspartic acid.
Molecular consequence: missense variant. On other transcripts: non-coding transcript variant (1).
Genome position (GRCh38, 1-based): chr8:93,782,422, A>G. VCF-style: chr8-93782422-A-G. GRCh37 (hg19) VCF-style: chr8-94794650-A-G.
Other names: c.850A>G, p.Asn284Asp (NM_001142301.1); short protein forms N284D, N365D.
Identifiers: ClinVar variation 1941044 (VCV001941044.4), dbSNP rs931138679, ClinGen allele CA181328497.
Genomic context (GRCh38, chr8:93,782,422, plus strand): 5'-GTGAGATTTATCTGTTGTATTATTTTGCTGCAGCTTTGTCCAGACACAGAGACAAGGCTA[A>G]ATGCTGCTTATTCATTTGGAACAACCTACCAACAAAATGTAAGTTTGAACGATATTAGTC-3'
Protein context (NP_714915.3, residues 355-375): QLCPDTETRL[Asn365Asp]AAYSFGTTYQ

ClinVar aggregate classification (germline): Uncertain significance. Review status: criteria provided, multiple submitters, no conflicts (2 of 4 stars). 3 submissions from 3 submitters: Uncertain significance (3). Last evaluated 2026-03-30.

Conditions:
Joubert syndrome 6 (JBTS6). Identifiers: Orphanet 475, MedGen C1853153, MONDO:0012539, OMIM 610688.
Meckel syndrome, type 3 (MKS3). Also called: MECKEL-GRUBER SYNDROME, TYPE 3. Identifiers: Orphanet 564, MedGen C1846357, MONDO:0011821, OMIM 607361.
Nephronophthisis 11 (NPHP11). Identifiers: Orphanet 84081, MedGen C3150796, MONDO:0013302, OMIM 613550.
RHYNS syndrome. Also called: RETINITIS PIGMENTOSA SYNDROME; RETINITIS PIGMENTOSA, HYPOPITUITARISM, NEPHRONOPHTHISIS, AND MILD SKELETAL DYSPLASIA. Identifiers: Orphanet 140976, MedGen C1865794, MONDO:0011202, OMIM 602152.
COACH syndrome 1. Identifiers: Orphanet 1454, MedGen C5435651, MONDO:0800103, OMIM 216360, MONDO:0008996.
Bardet-Biedl syndrome 14 (BBS14). Identifiers: Orphanet 110, MedGen C2673874, MONDO:0014442, OMIM 615991.
Meckel-Gruber syndrome. Also called: DYSENCEPHALIA SPLANCHNOCYSTICA; GRUBER SYNDROME; Dysencephalia splachnocystica. Identifiers: Orphanet 564, MedGen C0265215, MONDO:0018921.
Joubert syndrome. Also called: Familial aplasia of the vermis; JOUBERT-BOLTSHAUSER SYNDROME. Identifiers: Orphanet 475, MedGen C5979921, MONDO:0018772.
TMEM67-related disorder. Also called: TMEM67-related condition; TMEM67-related disorders. Identifiers: MedGen CN239423.

Allele frequency attached by ClinVar (database versions not stated): gnomAD exomes below 0.00001; gnomAD 0.00001; TOPMed 0.00001.
gnomAD v4.1: 2 of 1,613,088 alleles (0.00012%); highest among the groups gnomAD compares: Non-Finnish European, 0.00017%; no homozygotes.

Submissions (3):

PreventionGenetics, part of Exact Sciences
Classification: Uncertain significance for TMEM67-related condition. Last evaluated: 2026-03-30. Review status: criteria provided, single submitter. Criteria: ACMG Guidelines, 2015. Collection method: clinical testing. Allele origin: germline.
Comment: The TMEM67 c.1093A>G variant is predicted to result in the amino acid substitution p.Asn365Asp. To our knowledge, this variant has not been reported in the literature or in a large population database (gnomAD), indicating this variant is rare. At this time, the clinical significance of this variant is uncertain due to the absence of conclusive functional and genetic evidence.

Labcorp Genetics (formerly Invitae), Labcorp
Classification: Uncertain significance for Joubert syndrome; Meckel-Gruber syndrome. Last evaluated: 2022-10-17. Review status: criteria provided, single submitter. Criteria: Invitae Variant Classification Sherloc (09022015). Collection method: clinical testing. Allele origin: germline.
Comment: This sequence change replaces asparagine, which is neutral and polar, with aspartic acid, which is acidic and polar, at codon 365 of the TMEM67 protein (p.Asn365Asp). This variant is not present in population databases (gnomAD no frequency). This variant has not been reported in the literature in individuals affected with TMEM67-related conditions. Algorithms developed to predict the effect of missense changes on protein structure and function output the following: SIFT: "Tolerated"; PolyPhen-2: "Benign"; Align-GVGD: "Class C0". The aspartic acid amino acid residue is found in multiple mammalian species, which suggests that this missense change does not adversely affect protein function. In summary, the available evidence is currently insufficient to determine the role of this variant in disease. Therefore, it has been classified as a Variant of Uncertain Significance.

Department of Pathology and Laboratory Medicine, Sinai Health System
Classification: Uncertain significance for COACH syndrome 1; RHYNS syndrome; Meckel syndrome, type 3; Joubert syndrome 6; Nephronophthisis 11; Bardet-Biedl syndrome 14. Last evaluated: 2022-10-14. Review status: criteria provided, single submitter. Criteria: ACMG Guidelines, 2015. Collection method: research. Allele origin: germline.